The following is an entry in ClinVar:

NM_021870.3(FGG):c.799G>C (p.Ala267Pro)

Gene: FGG (fibrinogen gamma chain; minus strand). Cytogenetic location: 4q32.1.
Variant type: single nucleotide variant.
Coding change: c.799G>C on transcript NM_021870.3 (MANE Select); coding-DNA position 799, G replaced by C.
Protein change: p.Ala267Pro; replaces alanine 267 with proline.
Molecular consequence: missense variant.
Genome position (GRCh38, 1-based): chr4:154,608,518, C>G on the plus strand (G>C on the coding strand, the complement: FGG is on the minus strand). VCF-style: chr4-154608518-C-G. GRCh37 (hg19) VCF-style: chr4-155529670-C-G.
Other names: c.799G>C, p.Ala267Pro (NM_000509.6); short protein forms A267P.
Identifiers: ClinVar variation 3717970 (VCV003717970.2).

ClinVar aggregate classification (germline): Uncertain significance (1 of 4 stars; one submission).

gnomAD v4.1: 1 of 1,613,736 alleles (0.000062%); highest among the groups gnomAD compares: African/African-American, 0.0013%; no homozygotes.

Submission:

Labcorp Genetics (formerly Invitae), Labcorp
Classification: Uncertain significance. Last evaluated: 2024-06-21. Review status: criteria provided, single submitter. Criteria: Invitae Variant Classification Sherloc (09022015). Collection method: clinical testing. Allele origin: germline.
Comment: This sequence change replaces alanine, which is neutral and non-polar, with proline, which is neutral and non-polar, at codon 267 of the FGG protein (p.Ala267Pro). This variant is not present in population databases (gnomAD no frequency). This variant has not been reported in the literature in individuals affected with FGG-related conditions. An algorithm developed to predict the effect of missense changes on protein structure and function (PolyPhen-2) suggests that this variant is likely to be tolerated. In summary, the available evidence is currently insufficient to determine the role of this variant in disease. Therefore, it has been classified as a Variant of Uncertain Significance.